The following continues an entry in ClinVar:

NM_000142.5(FGFR3):c.1118A>G (p.Tyr373Cys)

Gene: FGFR3. ClinVar aggregate classification (germline): Pathogenic. Pathogenic (22). ClinVar aggregate classification (oncogenicity): Oncogenic.

Submissions 24 to 27 of 27:

Institute Of Reproduction And Development, Obstetrics and Gynecology Hospital, Fudan University
Classification: Pathogenic. Last evaluated: 2021-08-20. Review status: no assertion criteria provided. Collection method: research. Allele origin: germline. Affected: yes. Not counted in ClinVar's aggregate classification.

Baylor Genetics
Classification: Pathogenic for thanatophoric dysplasia type 1. Last evaluated: 2018-11-18. Review status: no assertion criteria provided. Collection method: clinical testing. Allele origin: germline. Affected: yes. Not counted in ClinVar's aggregate classification.

OMIM
Classification: Pathogenic for THANATOPHORIC DYSPLASIA, TYPE I. Last evaluated: 1998-11-16. Review status: no assertion criteria provided. Collection method: literature only. Allele origin: germline. Not counted in ClinVar's aggregate classification.

GeneReviews
No classification provided. Condition: Thanatophoric dysplasia type 1. Review status: no classification provided. Collection method: literature only. Allele origin: unknown. Not counted in ClinVar's aggregate classification.

Literature cited by the submitters: PubMed 9438390 (cited by Genomenon, Inc and Eurofins Ntd Llc (ga)); PubMed 25606676 (cited by 4 submitters); PubMed 19331127 (cited by Genomenon, Inc and Prenatal Diagnosis Unit, University Medical Center at Ho Chi Minh City, University of Medicine and Pharmacy at Ho Chi Minh City); PubMed 20651335 (cited by Genomenon, Inc); PubMed 21273588 (cited by Genomenon, Inc and Prenatal Diagnosis Unit, University Medical Center at Ho Chi Minh City, University of Medicine and Pharmacy at Ho Chi Minh City); PubMed 30692697 (cited by Genomenon, Inc and Medical Genetics Center, Maternal and Child Health Hospital of Hubei Province); PubMed 29593476 (cited by 5 submitters); PubMed 28249712 (cited by 5 submitters); PubMed 8845844 (cited by 8 submitters); PubMed 9677066 (cited by Genomenon, Inc); PubMed 9843049 (cited by 5 submitters); PubMed 24476948 (cited by 6 submitters); PubMed 33368972 (cited by Genomenon, Inc); PubMed 31476288 (cited by Genomenon, Inc); PubMed 24517215 (cited by Genomenon, Inc); PubMed 28254233 (cited by Genomenon, Inc); PubMed 27028100 (cited by Genomenon, Inc); PubMed 11426459 (cited by Genomenon, Inc); PubMed 22414243 (cited by Genomenon, Inc); PubMed 24075385 (cited by Genomenon, Inc); PubMed 25800480 (cited by Genomenon, Inc); PubMed 21536014 (cited by Genomenon, Inc); PubMed 23437153 (cited by Genomenon, Inc); PubMed 21253318 (cited by Genomenon, Inc); PubMed 11429702 (cited by Center for Genomic Medicine, Rigshospitalet, Copenhagen University Hospital); PubMed 11157491 (cited by Center for Genomic Medicine, Rigshospitalet, Copenhagen University Hospital); PubMed 34272467 (cited by Center for Genomic Medicine, Rigshospitalet, Copenhagen University Hospital); PubMed 25614871 (cited by 5 submitters); PubMed 11851976 (cited by Prenatal Diagnosis Unit, University Medical Center at Ho Chi Minh City, University of Medicine and Pharmacy at Ho Chi Minh City); PubMed 19088846 (cited by 3 submitters); PubMed 23200862 (cited by 5 submitters); PubMed 24419316 (cited by 4 submitters); PubMed 19789973 (cited by First Genomix Gene Laboratory, Genetic Diagnostics Department and Medical Genetics and Prenatal Diagnosis Center, Guangxi Academy of Medical Sciences and the People’s Hospital of Guangxi Zhuang Autonomous Region); PubMed 35627109 (cited by First Genomix Gene Laboratory, Genetic Diagnostics Department); PubMed 20301540 (cited by New York Genome Center and GeneReviews); PubMed 32596782 (cited by New York Genome Center); PubMed 22045636 (cited by Medical Genetics and Prenatal Diagnosis Center, Guangxi Academy of Medical Sciences and the People’s Hospital of Guangxi Zhuang Autonomous Region); PubMed 31299979 (cited by Medical Genetics Center, Maternal and Child Health Hospital of Hubei Province); NCBI Bookshelf NBK1366 (cited by GeneReviews).